The following is an entry in ClinVar:

NM_001849.4(COL6A2):c.811G>A (p.Gly271Ser)

Gene: COL6A2 (collagen type VI alpha 2 chain; plus strand). Cytogenetic location: 21q22.3.
Variant type: single nucleotide variant.
Coding change: c.811G>A on transcript NM_001849.4 (MANE Select); coding-DNA position 811, G replaced by A.
Protein change: p.Gly271Ser; replaces glycine 271 with serine.
Molecular consequence: missense variant.
Genome position (GRCh38, 1-based): chr21:46,115,881, G>A. VCF-style: chr21-46115881-G-A. GRCh37 (hg19) VCF-style: chr21-47535795-G-A.
Other names: G250S; c.811G>A, p.Gly271Ser (NM_058174.3, NM_058175.3); short protein forms G271S.
Identifiers: ClinVar variation 17155 (VCV000017155.17), dbSNP rs121912940, ClinGen allele CA257720.

ClinVar aggregate classification (germline): Pathogenic. Review status: criteria provided, multiple submitters, no conflicts (2 of 4 stars). 4 submissions from 4 submitters: Pathogenic (3). 1 of the submissions does not count toward it. Last evaluated 2024-08-09.

Conditions:
Bethlem myopathy 1B (BTHLM1B). Identifiers: MedGen C5935580, MONDO:0958233, OMIM 620725.
Bethlem myopathy 1A. Also called: Bethlem Muscular Dystrophy; Bethlem myopathy 1; MYOPATHY, BENIGN CONGENITAL, WITH CONTRACTURES. Identifiers: Orphanet 610, MedGen CN029274, MONDO:0024530, OMIM 158810.

Submissions (4):

3billion
Classification: Pathogenic for Bethlem myopathy 1B. Last evaluated: 2024-08-09. Review status: criteria provided, single submitter. Criteria: ACMG Guidelines, 2015. Collection method: clinical testing. Allele origin: germline. Affected: yes.
Comment: The variant is not observed in the gnomAD v4.0.0 dataset. Predicted Consequence/Location: The variant is located in a mutational hot spot and/or well-established functional domain in which established pathogenic variants have been reported. In silico tool predictions suggest damaging effect of the variant on gene or gene product [REVEL: 0.97 (>=0.6, sensitivity 0.68 and specificity 0.92); 3Cnet: 0.99 (>=0.6, sensitivity 0.72 and precision 0.9)]. The same nucleotide change resulting in the same amino acid change has been previously reported as pathogenic/likely pathogenic with strong evidence (ClinVar ID: VCV000017155 /PMID: 8782832). Different missense changes at the same codon (p.Gly271Arg, p.Gly271Asp, p.Gly271Val) have been reported as pathogenic/likely pathogenic with strong evidence (ClinVar ID: VCV000198136, VCV000476493 /PMID: 17785673, 37023487). Therefore, this variant is classified as Pathogenic according to the recommendation of ACMG/AMP guideline.

Labcorp Genetics (formerly Invitae), Labcorp
Classification: Pathogenic for Bethlem myopathy 1A. Last evaluated: 2022-11-08. Review status: criteria provided, single submitter. Criteria: Invitae Variant Classification Sherloc (09022015). Collection method: clinical testing. Allele origin: germline.
Comment: For these reasons, this variant has been classified as Pathogenic. This variant disrupts the triple helix domain of COL6A2. Glycine residues within the Gly-Xaa-Yaa repeats of the triple helix domain are required for the structure and stability of fibrillar collagens (PMID: 7695699, 8218237, 19344236). In COL6A2, missense variants at these glycine residues are significantly enriched in individuals with autosomal dominant disease (PMID: 15689448, 24038877) compared to the general population (ExAC). Advanced modeling of protein sequence and biophysical properties (such as structural, functional, and spatial information, amino acid conservation, physicochemical variation, residue mobility, and thermodynamic stability) performed at Invitae indicates that this missense variant is expected to disrupt COL6A2 protein function. ClinVar contains an entry for this variant (Variation ID: 17155). This variant is also known as G250S. This missense change has been observed in individuals with autosomal dominant Bethlem myopathy (PMID: 8782832). It has also been observed to segregate with disease in related individuals. This variant is not present in population databases (gnomAD no frequency). This sequence change replaces glycine, which is neutral and non-polar, with serine, which is neutral and polar, at codon 271 of the COL6A2 protein (p.Gly271Ser).

Revvity Omics, Revvity
Classification: Pathogenic. Last evaluated: 2019-05-24. Review status: criteria provided, single submitter. Criteria: ACMG Guidelines, 2015. Collection method: clinical testing. Allele origin: germline.

OMIM
Classification: Pathogenic for BETHLEM MYOPATHY 1B, AUTOSOMAL DOMINANT. Last evaluated: 1996-09-01. Review status: no assertion criteria provided. Collection method: literature only. Allele origin: germline. Not counted in ClinVar's aggregate classification.

Literature cited by the submitters: PubMed 8782832 (cited by 3 submitters); PubMed 17785673 (cited by 3billion); PubMed 7695699 (cited by Labcorp Genetics (formerly Invitae), Labcorp); PubMed 8218237 (cited by Labcorp Genetics (formerly Invitae), Labcorp); PubMed 19344236 (cited by Labcorp Genetics (formerly Invitae), Labcorp); PubMed 15689448 (cited by Labcorp Genetics (formerly Invitae), Labcorp); PubMed 24038877 (cited by Labcorp Genetics (formerly Invitae), Labcorp); PubMed 75955 (cited by OMIM).